The following is an entry in ClinVar:

ClinVar aggregate classification (germline): Uncertain significance (1 of 4 stars; one submission).

Allele frequency attached by ClinVar (database versions not stated): gnomAD exomes 0.00004; gnomAD 0.00006; TOPMed 0.00006.
gnomAD v4.1: 59 of 1,552,998 alleles (0.0038%); highest among the groups gnomAD compares: East Asian, 0.1%; no homozygotes.

Submission:

Labcorp Genetics (formerly Invitae), Labcorp
Classification: Uncertain significance. Last evaluated: 2022-08-13. Review status: criteria provided, single submitter. Criteria: Invitae Variant Classification Sherloc (09022015). Collection method: clinical testing. Allele origin: germline.
Comment: This sequence change replaces glycine, which is neutral and non-polar, with arginine, which is basic and polar, at codon 1306 of the OBSL1 protein (p.Gly1306Arg). This variant is present in population databases (rs753257379, gnomAD 0.1%). This variant has not been reported in the literature in individuals affected with OBSL1-related conditions. Algorithms developed to predict the effect of missense changes on protein structure and function are either unavailable or do not agree on the potential impact of this missense change (SIFT: "Tolerated"; PolyPhen-2: "Possibly Damaging"; Align-GVGD: "Class C0"). In summary, the available evidence is currently insufficient to determine the role of this variant in disease. Therefore, it has been classified as a Variant of Uncertain Significance.

NM_015311.3(OBSL1):c.3916G>A (p.Gly1306Arg)

Gene: OBSL1 (obscurin like cytoskeletal adaptor 1; minus strand). Cytogenetic location: 2q35.
Variant type: single nucleotide variant.
Coding change: c.3916G>A on transcript NM_015311.3 (MANE Select); coding-DNA position 3916, G replaced by A.
Protein change: p.Gly1306Arg; replaces glycine 1306 with arginine.
Molecular consequence: missense variant.
Genome position (GRCh38, 1-based): chr2:219,557,493, C>T on the plus strand (G>A on the coding strand, the complement: OBSL1 is on the minus strand). VCF-style: chr2-219557493-C-T. GRCh37 (hg19) VCF-style: chr2-220422215-C-T.
Other names: c.3916G>A, p.Gly1306Arg (NM_001173431.2); short protein forms G1306R.
Identifiers: ClinVar variation 2414300 (VCV002414300.3), dbSNP rs753257379, ClinGen allele CA2130716.